The following is an entry in ClinVar:

NM_000064.4(C3):c.831T>G (p.Asp277Glu)

Gene: C3 (complement C3; minus strand). Cytogenetic location: 19p13.3.
Variant type: single nucleotide variant.
Coding change: c.831T>G on transcript NM_000064.4 (MANE Select); coding-DNA position 831, T replaced by G.
Protein change: p.Asp277Glu; replaces aspartic acid 277 with glutamic acid.
Molecular consequence: missense variant.
Genome position (GRCh38, 1-based): chr19:6,713,452, A>C on the plus strand (T>G on the coding strand, the complement: C3 is on the minus strand). VCF-style: chr19-6713452-A-C. GRCh37 (hg19) VCF-style: chr19-6713463-A-C.
Other names: short protein forms D277E.
Identifiers: ClinVar variation 2067659 (VCV002067659.4), dbSNP rs140126161, ClinGen allele CA9129656.

ClinVar aggregate classification (germline): Uncertain significance (1 of 4 stars; one submission).

Allele frequency attached by ClinVar (database versions not stated): gnomAD 0.00001; gnomAD exomes 0.00001; TOPMed 0.00001; ExAC 0.00002; ESP Exome Variant Server 0.00008.
gnomAD v4.1: 14 of 1,613,826 alleles (0.00087%); highest among the groups gnomAD compares: African/African-American, 0.0027%; no homozygotes.

Submission:

Labcorp Genetics (formerly Invitae), Labcorp
Classification: Uncertain significance. Last evaluated: 2025-09-23. Review status: criteria provided, single submitter. Criteria: Invitae Variant Classification Sherloc (09022015). Collection method: clinical testing. Allele origin: germline.
Comment: This sequence change replaces aspartic acid, which is acidic and polar, with glutamic acid, which is acidic and polar, at codon 277 of the C3 protein (p.Asp277Glu). This variant is present in population databases (rs140126161, gnomAD 0.007%). This missense change has been observed in individual(s) with C3-related conditions (PMID: 34169201). ClinVar contains an entry for this variant (Variation ID: 2067659). Invitae Evidence Modeling of protein sequence and biophysical properties (such as structural, functional, and spatial information, amino acid conservation, physicochemical variation, residue mobility, and thermodynamic stability) indicates that this missense variant is not expected to disrupt C3 protein function with a negative predictive value of 80%. In summary, the available evidence is currently insufficient to determine the role of this variant in disease. Therefore, it has been classified as a Variant of Uncertain Significance.

Literature cited by the submitters: PubMed 34169201.